The following is an entry in ClinVar:

ClinVar aggregate classification (germline): Uncertain significance (1 of 4 stars; one submission).

Submission:

Labcorp Genetics (formerly Invitae), Labcorp
Classification: Uncertain significance. Last evaluated: 2024-09-06. Review status: criteria provided, single submitter. Criteria: Invitae Variant Classification Sherloc (09022015). Collection method: clinical testing. Allele origin: germline.
Comment: This sequence change replaces glycine, which is neutral and non-polar, with arginine, which is basic and polar, at codon 436 of the TUBA8 protein (p.Gly436Arg). This variant is not present in population databases (gnomAD no frequency). This variant has not been reported in the literature in individuals affected with TUBA8-related conditions. Invitae Evidence Modeling of protein sequence and biophysical properties (such as structural, functional, and spatial information, amino acid conservation, physicochemical variation, residue mobility, and thermodynamic stability) indicates that this missense variant is expected to disrupt TUBA8 protein function with a positive predictive value of 80%. In summary, the available evidence is currently insufficient to determine the role of this variant in disease. Therefore, it has been classified as a Variant of Uncertain Significance.

NM_018943.3(TUBA8):c.1306G>C (p.Gly436Arg)

Gene: TUBA8 (tubulin alpha 8; plus strand). Cytogenetic location: 22q11.21.
Variant type: single nucleotide variant.
Coding change: c.1306G>C on transcript NM_018943.3 (MANE Select); coding-DNA position 1306, G replaced by C.
Protein change: p.Gly436Arg; replaces glycine 436 with arginine.
Molecular consequence: missense variant.
Genome position (GRCh38, 1-based): chr22:18,131,092, G>C. VCF-style: chr22-18131092-G-C. GRCh37 (hg19) VCF-style: chr22-18613859-G-C.
Other names: c.1108G>C, p.Gly370Arg (NM_001193414.2); short protein forms G436R, G370R.
Identifiers: ClinVar variation 3664860 (VCV003664860.2).
Genomic context (GRCh38, chr22:18,131,092, plus strand): 5'-GGAGAATTTTCTGAGGCCAGGGAAGACTTAGCTGCCCTGGAGAAGGATTATGAAGAAGTG[G>C]GGACTGATTCGTTTGAAGAAGAAAATGAAGGGGAGGAATTTTAAATATATACCTTCCCCT-3'
Protein context (NP_061816.1, residues 426-446): AALEKDYEEV[Gly436Arg]TDSFEEENEG